The following is an entry in ClinVar:

ClinVar aggregate classification (germline): Benign/Likely benign. Review status: criteria provided, multiple submitters, no conflicts (2 of 4 stars). 7 submissions from 7 submitters: Benign (6); Likely benign (1). Last evaluated 2026-02-04.

Conditions:
Hermansky-Pudlak syndrome 1 (HPS1). Also called: DELTA STORAGE POOL DISEASE. Identifiers: Orphanet 231500, Orphanet 79430, MedGen C2931875, MONDO:0008748, OMIM 203300.

Allele frequency attached by ClinVar (database versions not stated): gnomAD exomes 0.01456 and 0.02826; ESP Exome Variant Server 0.04178; gnomAD 0.04438 and 0.04519; ExAC 0.04787; TOPMed 0.04868; 1000 Genomes Project 0.07328; 1000 Genomes Project 30x 0.07495.

Submissions (7):

Labcorp Genetics (formerly Invitae), Labcorp
Classification: Benign. Last evaluated: 2026-02-04. Review status: criteria provided, single submitter. Criteria: Invitae Variant Classification Sherloc (09022015). Collection method: clinical testing. Allele origin: germline.

Blueprint Genetics
Classification: Likely benign. Last evaluated: 2024-11-27. Review status: criteria provided, single submitter. Criteria: ACMG Guidelines, 2015. Collection method: clinical testing. Allele origin: germline.

GeneDx
Classification: Benign. Last evaluated: 2018-11-12. Review status: criteria provided, single submitter. Criteria: GeneDx Variant Classification Process June 2021. Collection method: clinical testing. Allele origin: germline. Affected: yes.

Illumina Laboratory Services, Illumina
Classification: Benign for Hermansky-Pudlak syndrome 1. Last evaluated: 2018-01-13. Review status: criteria provided, single submitter. Criteria: ICSL Variant Classification Criteria 13 December 2019. Collection method: clinical testing. Allele origin: germline.
Comment: This variant was observed in the ICSL laboratory as part of a predisposition screen in an ostensibly healthy population. It had not been previously curated by ICSL or reported in the Human Gene Mutation Database (HGMD: prior to June 1st, 2018), and was therefore a candidate for classification through an automated scoring system. Utilizing variant allele frequency, disease prevalence and penetrance estimates, and inheritance mode, an automated score was calculated to assess if this variant is too frequent to cause the disease. Based on the score and internal cut-off values, a variant classified as benign is not then subjected to further curation. The score for this variant resulted in a classification of benign for this disease.

Laboratory for Molecular Medicine, Mass General Brigham Personalized Medicine
Classification: Benign. Last evaluated: 2013-02-21. Review status: criteria provided, single submitter. Criteria: LMM Criteria. Collection method: clinical testing. Allele origin: germline. Observed: 3 variant alleles.
Comment: 987+13T>C in intron 11 of HPS1: This variant is not expected to have clinical si gnificance because it is not located within the conserved splice consensus seque nce. It has been identified in 10.8% (448/4134) of African American chromosomes from a broad population by the NHLBI Exome Sequencing Project (dbSNP rs12571249).

Breakthrough Genomics
Classification: Benign. Review status: criteria provided, single submitter. Criteria: ACMG Guidelines, 2015. Collection method: not provided. Allele origin: germline. Inheritance: Autosomal recessive inheritance. Affected: yes.

PreventionGenetics, part of Exact Sciences
Classification: Benign. Review status: criteria provided, single submitter. Criteria: ACMG Guidelines, 2015. Collection method: clinical testing. Allele origin: germline.

NM_000195.5(HPS1):c.987+13T>C

Gene: HPS1 (HPS1 biogenesis of lysosomal organelles complex 3 subunit 1; minus strand). Cytogenetic location: 10q24.2.
Variant type: single nucleotide variant.
Coding change: c.987+13T>C on transcript NM_000195.5 (MANE Select); 13 bases into the intron after coding-DNA position 987, T replaced by C.
Molecular consequence: intron variant.
Genome position (GRCh38, 1-based): chr10:98,427,202, A>G on the plus strand (T>C on the coding strand, the complement: HPS1 is on the minus strand). VCF-style: chr10-98427202-A-G. GRCh37 (hg19) VCF-style: chr10-100186959-A-G.
Other names: c.618+13T>C (NM_001322483.2, NM_001322484.2); c.726+13T>C (NM_001322480.2, NM_001322481.2); c.888+13T>C (NM_001322478.2, NM_001322479.2); c.987+13T>C (NM_001322476.2, NM_001322477.2); c.519+13T>C (NM_001322485.2); c.627+13T>C (NM_001322482.2); c.15+13T>C (NM_001322489.2, NM_001311345.2, NM_001322487.2).
Identifiers: ClinVar variation 255506 (VCV000255506.20), dbSNP rs12571249, ClinGen allele CA5639180.